The following is an entry in ClinVar:

ClinVar aggregate classification (germline): Uncertain significance. Review status: criteria provided, multiple submitters, no conflicts (2 of 4 stars). 2 submissions from 2 submitters: Uncertain significance (2). Last evaluated 2025-09-26.

Conditions:
Inborn genetic diseases. Identifiers: MedGen C0950123, MeSH D030342.

gnomAD v4.1: 64 of 1,613,960 alleles (0.004%); highest among the groups gnomAD compares: African/African-American, 0.036%; no homozygotes.

Submissions (2):

Ambry Genetics
Classification: Uncertain significance for Inborn genetic diseases. Last evaluated: 2025-09-26. Review status: criteria provided, single submitter. Criteria: Ambry Variant Classification Scheme 2023. Collection method: clinical testing. Allele origin: germline.

Labcorp Genetics (formerly Invitae), Labcorp
Classification: Uncertain significance. Last evaluated: 2024-04-09. Review status: criteria provided, single submitter. Criteria: Invitae Variant Classification Sherloc (09022015). Collection method: clinical testing. Allele origin: germline.
Comment: This sequence change replaces arginine, which is basic and polar, with glutamine, which is neutral and polar, at codon 1659 of the LRRK1 protein (p.Arg1659Gln). This variant is present in population databases (rs370180202, gnomAD 0.05%). This variant has not been reported in the literature in individuals affected with LRRK1-related conditions. Algorithms developed to predict the effect of missense changes on protein structure and function output the following: SIFT: "Not Available"; PolyPhen-2: "Benign"; Align-GVGD: "Not Available". The glutamine amino acid residue is found in multiple mammalian species, which suggests that this missense change does not adversely affect protein function. In summary, the available evidence is currently insufficient to determine the role of this variant in disease. Therefore, it has been classified as a Variant of Uncertain Significance.

NM_024652.6(LRRK1):c.4976G>A (p.Arg1659Gln)

Genes: LRRK1 (leucine rich repeat kinase 1; plus strand), LRRK1-AS1 (LRRK1 antisense RNA 1; minus strand). Cytogenetic location: 15q26.3.
Variant type: single nucleotide variant.
Coding change: c.4976G>A on transcript NM_024652.6 (MANE Select); coding-DNA position 4976, G replaced by A.
Protein change: p.Arg1659Gln; replaces arginine 1659 with glutamine.
Molecular consequence: missense variant.
Genome position (GRCh38, 1-based): chr15:101,065,413, G>A. VCF-style: chr15-101065413-G-A. GRCh37 (hg19) VCF-style: chr15-101605618-G-A.
Other names: c.4976G>A (NM_024652.3); short protein forms R1659Q.
Identifiers: ClinVar variation 3713943 (VCV003713943.2).